The following is an entry in ClinVar:

ClinVar aggregate classification (germline): Uncertain significance (1 of 4 stars; one submission).

Allele frequency attached by ClinVar (database versions not stated): gnomAD exomes 0.00001; gnomAD 0.00002; TOPMed 0.00005.
gnomAD v4.1: 11 of 1,604,584 alleles (0.00069%); highest among the groups gnomAD compares: African/African-American, 0.0093%; no homozygotes.

Submission:

Labcorp Genetics (formerly Invitae), Labcorp
Classification: Uncertain significance. Last evaluated: 2022-07-12. Review status: criteria provided, single submitter. Criteria: Invitae Variant Classification Sherloc (09022015). Collection method: clinical testing. Allele origin: germline.
Comment: This sequence change replaces aspartic acid, which is acidic and polar, with asparagine, which is neutral and polar, at codon 512 of the SLC6A19 protein (p.Asp512Asn). This variant is present in population databases (no rsID available, gnomAD 0.007%). This variant has not been reported in the literature in individuals affected with SLC6A19-related conditions. Advanced modeling of protein sequence and biophysical properties (such as structural, functional, and spatial information, amino acid conservation, physicochemical variation, residue mobility, and thermodynamic stability) performed at Invitae indicates that this missense variant is not expected to disrupt SLC6A19 protein function. In summary, the available evidence is currently insufficient to determine the role of this variant in disease. Therefore, it has been classified as a Variant of Uncertain Significance.

NM_001003841.3(SLC6A19):c.1534G>A (p.Asp512Asn)

Gene: SLC6A19 (solute carrier family 6 member 19; plus strand). Cytogenetic location: 5p15.33.
Variant type: single nucleotide variant.
Coding change: c.1534G>A on transcript NM_001003841.3 (MANE Select); coding-DNA position 1534, G replaced by A.
Protein change: p.Asp512Asn; replaces aspartic acid 512 with asparagine.
Molecular consequence: missense variant.
Genome position (GRCh38, 1-based): chr5:1,219,660, G>A. VCF-style: chr5-1219660-G-A. GRCh37 (hg19) VCF-style: chr5-1219775-G-A.
Other names: short protein forms D512N.
Identifiers: ClinVar variation 2140143 (VCV002140143.3), dbSNP rs1259246664, ClinGen allele CA359075630.